The following is an entry in ClinVar:

ClinVar aggregate classification (germline): Uncertain significance. Review status: criteria provided, multiple submitters, no conflicts (2 of 4 stars). 9 submissions from 9 submitters: Uncertain significance (8). 1 of the submissions does not count toward it. Last evaluated 2026-01-16.

Conditions:
Cardiovascular phenotype. Identifiers: MedGen CN230736.
Familial long QT syndrome (RWS). Also called: Congenital long QT syndrome; VENTRICULAR FIBRILLATION WITH PROLONGED QT INTERVAL; Romano-Ward syndrome. Identifiers: Orphanet 768, MedGen C1141890, MONDO:0019171.
Long QT syndrome 5 (LQT5). Identifiers: Orphanet 101016, Orphanet 768, MedGen C1867904, MONDO:0013372, OMIM 613695.
Jervell and Lange-Nielsen syndrome 2 (JLNS2). Identifiers: Orphanet 768, Orphanet 90647, MedGen C2676723, MONDO:0012871, OMIM 612347.
Long QT syndrome (LQTS). Identifiers: MedGen C0023976, MeSH D008133, MONDO:0002442. Disease mechanism: loss of function. Inheritance: Various modes of inheritance.

Allele frequency attached by ClinVar (database versions not stated): ExAC 0.00002; gnomAD 0.00003; gnomAD exomes 0.00004; TOPMed 0.00004; 1000 Genomes Project 30x 0.00016; 1000 Genomes Project 0.00020.

Submissions (10):

Labcorp Genetics (formerly Invitae), Labcorp
Classification: Uncertain significance for Long QT syndrome. Last evaluated: 2026-01-16. Review status: criteria provided, single submitter. Criteria: Invitae Variant Classification Sherloc (09022015). Collection method: clinical testing. Allele origin: germline.
Comment: This sequence change replaces glutamic acid, which is acidic and polar, with lysine, which is basic and polar, at codon 83 of the KCNE1 protein (p.Glu83Lys). This variant is present in population databases (rs199473360, gnomAD 0.02%). This missense change has been observed in individual(s) with clinical features of KCNE1-related conditions (PMID: 19716085). ClinVar contains an entry for this variant (Variation ID: 132673). Invitae Evidence Modeling of protein sequence and biophysical properties (such as structural, functional, and spatial information, amino acid conservation, physicochemical variation, residue mobility, and thermodynamic stability) indicates that this missense variant is not expected to disrupt KCNE1 protein function with a negative predictive value of 95%. Experimental studies are conflicting or provide insufficient evidence to determine the effect of this variant on KCNE1 function (PMID: 38816749). In summary, the available evidence is currently insufficient to determine the role of this variant in disease. Therefore, it has been classified as a Variant of Uncertain Significance.

GeneDx
Classification: Uncertain significance. Last evaluated: 2025-09-25. Review status: criteria provided, single submitter. Criteria: GeneDx Variant Classification Process June 2021. Collection method: clinical testing. Allele origin: germline.
Comment: In silico analysis suggests that this missense variant does not alter protein structure/function; This variant is associated with the following publications: (PMID: 24710009, 19716085, 26159999, 26410412, 34426522)

Blueprint Genetics
Classification: Uncertain significance. Last evaluated: 2024-10-23. Review status: criteria provided, single submitter. Criteria: ACMG Guidelines, 2015. Collection method: clinical testing. Allele origin: germline.

Ambry Genetics
Classification: Uncertain significance for Cardiovascular phenotype. Last evaluated: 2023-11-17. Review status: criteria provided, single submitter. Criteria: Ambry Variant Classification Scheme 2023. Collection method: clinical testing. Allele origin: germline.
Comment: The p.E83K variant (also known as c.247G>A) is located in coding exon 1 of the KCNE1 gene. This alteration results from a G to A substitution at nucleotide position 247. The glutamic acid at codon 83 is replaced by lysine, an amino acid with similar properties. In a study of long QT syndrome clinical genetic testing, this alteration was reported in one patient; however, clinical details were limited (Kapplinger JD et al. Heart Rhythm, 2009 Sep;6:1297-303). This alteration was also reported in an individual from a healthy exome cohort with a normal QTc interval, but additional clinical information was not available (Ghouse J et al. Eur. Heart J., 2015 Oct;36:2523-9). This amino acid position is not well conserved in available vertebrate species. In addition, the in silico prediction for this alteration is inconclusive. Since supporting evidence is limited at this time, the clinical significance of this alteration remains unclear.

Clinical Genomics Laboratory, Stanford Medicine
Classification: Uncertain significance for Jervell and Lange-Nielsen syndrome 2. Last evaluated: 2022-11-22. Review status: criteria provided, single submitter. Criteria: ACMG Guidelines, 2015. Collection method: clinical testing. Allele origin: germline. Observed: 1 variant allele, 1 heterozygote.
Comment: The p.Glu83Lys variant in the KCNE1 gene has been previously reported in one individual with long QT syndrome (Kapplinger et al., 2009) and in one individual from a healthy population cohort with normal QTc interval (Ghouse et al., 2015). This variant has been identified in 3/19,944 East Asian chromosomes (12/282,810 chromosomes overall) by the Genome Aggregation Database. This variant is present in ClinVar (Variation ID: 132673) The glutamic acid at position 83 is evolutionarily conserved. Computational tools predict that the p.Glu83Lys variant is deleterious; however, the accuracy of in silico algorithms is limited. These data were assessed using the ACMG/AMP variant interpretation guidelines. In summary, the significance of the p.Glu83Lys variant is uncertain. Additional information is needed to resolve the significance of this variant. [ACMG evidence codes used: PM2; PP3]

Fulgent Genetics
Classification: Uncertain significance for Jervell and Lange-Nielsen syndrome 2; Long QT syndrome 5. Last evaluated: 2021-07-30. Review status: criteria provided, single submitter. Criteria: ACMG Guidelines, 2015. Collection method: clinical testing. Allele origin: unknown.

CeGaT Center for Human Genetics Tuebingen
Classification: Uncertain significance. Last evaluated: 2021-03-01. Review status: criteria provided, single submitter. Criteria: CeGaT Center For Human Genetics Tuebingen Variant Classification Criteria Version 2. Collection method: clinical testing. Allele origin: germline. Affected: yes. Observed: 1 variant allele.

Laboratory for Molecular Medicine, Mass General Brigham Personalized Medicine
Classification: Uncertain significance. Last evaluated: 2016-03-31. Review status: criteria provided, single submitter. Criteria: LMM Criteria. Collection method: clinical testing. Allele origin: germline.
Comment: Variant identified in a genome or exome case(s) and assessed due to predicted null impact of the variant or pathogenic assertions in the literature or databases. Disclaimer: This variant has not undergone full assessment. The following are preliminary notes: Reported in small number of probands; ExAC: 1/11570 Latino; ClinVar: 1 P (lit only)

Cardiovascular Biomedical Research Unit, Royal Brompton & Harefield NHS Foundation Trust
No classification provided. Condition: Familial long QT syndrome. Review status: no classification provided. Collection method: literature only. Allele origin: germline. Not counted in ClinVar's aggregate classification.
Comment: This variant has been reported as associated with Long QT syndrome in the following publications (PMID:19716085). This is a literature report, and does not necessarily reflect the clinical interpretation of the Imperial College / Royal Brompton Cardiovascular Genetics laboratory.

Roden Lab, Vanderbilt University Medical Center
No classification provided (evidence only). Condition: Long QT syndrome 5. Review status: no classification provided. Collection method: in vitro. Allele origin: not applicable. Functional consequence: Effect on ion channel function. Not counted in ClinVar's aggregate classification.
ClinVar note: "not provided" was previously submitted as the classification for the variant. However, the classification appeared to be based only on an observation of functional data so it was converted to no classification on 2025-07-30.

Literature cited by the submitters: PubMed 19716085 (cited by 4 submitters); PubMed 38816749 (cited by Labcorp Genetics (formerly Invitae), Labcorp); PubMed 26159999 (cited by Ambry Genetics and Clinical Genomics Laboratory, Stanford Medicine); PubMed 22581653 (cited by Cardiovascular Biomedical Research Unit, Royal Brompton & Harefield NHS Foundation Trust).

NM_000219.6(KCNE1):c.247G>A (p.Glu83Lys)

Gene: KCNE1 (potassium voltage-gated channel subfamily E regulatory subunit 1; minus strand). Cytogenetic location: 21q22.12.
Variant type: single nucleotide variant.
Coding change: c.247G>A on transcript NM_000219.6 (MANE Select); coding-DNA position 247, G replaced by A.
Protein change: p.Glu83Lys; replaces glutamic acid 83 with lysine.
Molecular consequence: missense variant.
Genome position (GRCh38, 1-based): chr21:34,449,388, C>T on the plus strand (G>A on the coding strand, the complement: KCNE1 is on the minus strand). VCF-style: chr21-34449388-C-T. GRCh37 (hg19) VCF-style: chr21-35821686-C-T.
Other names: c.247G>A, p.Glu83Lys (NM_001127668.4, NM_001127669.4, NM_001127670.4 and 4 more transcripts); c.247G>A (LRG_290t1); short protein forms E83K.
Identifiers: ClinVar variation 132673 (VCV000132673.54), dbSNP rs199473360, ClinGen allele CA331955.
Genomic context (GRCh38, chr21:34,449,388, plus strand): 5'-AGCTCTCCAGGACCCGGGCCTGGACATAGGCCTTGTCCTTCTCTTGCCAGGCATCGGACT[C>T]GATGTAGACGTTGAATGGGTCGTTCGAGTGCTCCAGCTTCTTGGAGCGGATGTAGCTCAG-3'
Protein context (NP_000210.2, residues 73-93): HSNDPFNVYI[Glu83Lys]SDAWQEKDKA